The following is an entry in ClinVar:

NM_198690.3(KRTAP10-9):c.819C>A (p.Arg273=)

Genes: KRTAP10-9 (keratin associated protein 10-9; plus strand), TSPEAR (thrombospondin type laminin G domain and EAR repeats; minus strand). Cytogenetic location: 21q22.3.
Variant type: single nucleotide variant.
Coding change: c.819C>A on transcript NM_198690.3 (MANE Select); coding-DNA position 819, C replaced by A.
Protein change: p.Arg273=; no amino-acid change (arginine 273 retained).
Molecular consequence: synonymous variant. On other transcripts: intron variant (2).
Genome position (GRCh38, 1-based): chr21:44,627,990, C>A. VCF-style: chr21-44627990-C-A. GRCh37 (hg19) VCF-style: chr21-46047907-C-A.
Other names: c.83-59985G>T (NM_144991.3); c.-122-59985G>T (NM_001272037.2).
Identifiers: ClinVar variation 5038900 (VCV005038900.1).

ClinVar aggregate classification (germline): Likely benign (1 of 4 stars; one submission).

gnomAD v4.1: 22 of 1,611,048 alleles (0.0014%); highest among the groups gnomAD compares: Non-Finnish European, 0.0018%; no homozygotes.

Submission:

CeGaT Center for Human Genetics Tuebingen
Classification: Likely benign. Last evaluated: 2026-08-01. Review status: criteria provided, single submitter. Criteria: CeGaT Center For Human Genetics Tuebingen Variant Classification Criteria Version 2. Collection method: clinical testing. Allele origin: germline. Affected: yes. Observed: 1 variant allele.
Comment: KRTAP10-9: BP4, BP7